The following is an entry in ClinVar:

ClinVar aggregate classification (germline): Conflicting classifications of pathogenicity. Review status: criteria provided, conflicting classifications (1 of 4 stars). 4 submissions from 4 submitters: Uncertain significance (2); Likely benign (2). Last evaluated 2026-02-11.

Conditions:
Hereditary breast ovarian cancer syndrome. Also called: Breast and ovarian cancer; Hereditary breast and ovarian cancer syndrome (HBOC); BRCA1- and BRCA2-Associated Hereditary Breast and Ovarian Cancer; Hereditary breast and/or ovarian cancer syndrome; Hereditary breast and ovarian cancer syndrome; Hereditary breast and ovarian cancer. Identifiers: Orphanet 145, MedGen C0677776, MeSH D061325, MONDO:0003582. Disease mechanism: loss of function.
Hereditary cancer-predisposing syndrome. Also called: Neoplastic Syndromes, Hereditary; Hereditary neoplastic syndrome; Tumor predisposition; Hereditary Cancer Syndrome. Identifiers: Orphanet 140162, MedGen C0027672, MeSH D009386, MONDO:0015356.
Breast-ovarian cancer, familial, susceptibility to, 2 (BROVCA2). Also called: BRCA2 Hereditary Breast and Ovarian Cancer. Identifiers: Orphanet 145, MedGen C2675520, MONDO:0012933, OMIM 612555. Disease mechanism: loss of function.

Submissions (4):

St. Jude Molecular Pathology, St. Jude Children's Research Hospital
Classification: Uncertain significance for Breast-ovarian cancer, familial, susceptibility to, 2. Last evaluated: 2026-02-11. Review status: criteria provided, single submitter. Criteria: St. Jude Assertion Criteria 2020. Collection method: clinical testing. Allele origin: germline.
Comment: The BRCA2 c.6085G> A p.(Glu2029Lys) missense change is absent in gnomAD v2.1.1. The in silico tool REVEL predicts a benign effect on protein function, but to our knowledge this prediction has not been confirmed by functional studies. To our knowledge, this variant has not been reported in individuals with BRCA2-related disease. In summary, the evidence currently available is insufficient to determine the clinical significance of this variant. It has therefore been classified as of uncertain significance.

Labcorp Genetics (formerly Invitae), Labcorp
Classification: Uncertain significance for Hereditary breast ovarian cancer syndrome. Last evaluated: 2025-11-01. Review status: criteria provided, single submitter. Criteria: Invitae Variant Classification Sherloc (09022015). Collection method: clinical testing. Allele origin: germline.
Comment: This sequence change replaces glutamic acid, which is acidic and polar, with lysine, which is basic and polar, at codon 2029 of the BRCA2 protein (p.Glu2029Lys). This variant is not present in population databases (gnomAD no frequency). This variant has not been reported in the literature in individuals affected with BRCA2-related conditions. ClinVar contains an entry for this variant (Variation ID: 834800). Invitae Evidence Modeling of protein sequence and biophysical properties (such as structural, functional, and spatial information, amino acid conservation, physicochemical variation, residue mobility, and thermodynamic stability) indicates that this missense variant is not expected to disrupt BRCA2 protein function with a negative predictive value of 95%. In summary, the available evidence is currently insufficient to determine the role of this variant in disease. Therefore, it has been classified as a Variant of Uncertain Significance.

Ambry Genetics
Classification: Likely benign for Hereditary cancer-predisposing syndrome. Last evaluated: 2024-11-20. Review status: criteria provided, single submitter. Criteria: Ambry Variant Classification Scheme 2023. Collection method: clinical testing. Allele origin: germline.

University of Washington Department of Laboratory Medicine, University of Washington
Classification: Likely benign for Hereditary cancer-predisposing syndrome. Last evaluated: 2023-03-23. Review status: criteria provided, single submitter. Criteria: Dines et al. (Genet Med. 2020). Collection method: curation. Allele origin: germline.
Comment: Missense variant in a coldspot region where missense variants are very unlikely to be pathogenic (PMID:31911673).

BRCA2 exon 11 coldspot. Reclassification based on statistical prior probability.

NM_000059.4(BRCA2):c.6085G>A (p.Glu2029Lys)

Gene: BRCA2 (BRCA2 DNA repair associated; plus strand). Cytogenetic location: 13q13.1.
Variant type: single nucleotide variant.
Coding change: c.6085G>A on transcript NM_000059.4 (MANE Select); coding-DNA position 6085, G replaced by A.
Protein change: p.Glu2029Lys; replaces glutamic acid 2029 with lysine.
Molecular consequence: missense variant.
Genome position (GRCh38, 1-based): chr13:32,340,440, G>A. VCF-style: chr13-32340440-G-A. GRCh37 (hg19) VCF-style: chr13-32914577-G-A.
Other names: short protein forms E2029K.
Identifiers: ClinVar variation 834800 (VCV000834800.13), dbSNP rs397507828, ClinGen allele CA387788031.
Genomic context (GRCh38, chr13:32,340,440, plus strand): 5'-CAAGTCTTTTCCAAAGTATTGTTTAAAAGTAACGAACATTCAGACCAGCTCACAAGAGAA[G>A]AAAATACTGCTATACGTACTCCAGAACATTTAATATCCCAAAAAGGCTTTTCATATAATG-3'
Protein context (NP_000050.3, residues 2019-2039): NEHSDQLTRE[Glu2029Lys]NTAIRTPEHL